The following is an entry in ClinVar:

ClinVar aggregate classification (germline): Uncertain significance (1 of 4 stars; one submission).

Conditions:
TNF receptor-associated periodic fever syndrome (TRAPS) (FPF). Also called: FAMILIAL HIBERNIAN FEVER; TNF RECEPTOR-ASSOCIATED PERIODIC SYNDROME; TUMOR NECROSIS FACTOR RECEPTOR-ASSOCIATED PERIODIC SYNDROME; TNF Receptor-Associated Periodic Fever Syndrome; Autosomal Dominant Familial Periodic Fever; TNF receptor 1-associated periodic fever syndrome. Identifiers: Orphanet 32960, MedGen C1275126, MONDO:0007727, OMIM 142680.

Submission:

Labcorp Genetics (formerly Invitae), Labcorp
Classification: Uncertain significance for TNF receptor-associated periodic fever syndrome (TRAPS). Last evaluated: 2021-11-12. Review status: criteria provided, single submitter. Criteria: Invitae Variant Classification Sherloc (09022015). Collection method: clinical testing. Allele origin: germline.
Comment: In summary, the available evidence is currently insufficient to determine the role of this variant in disease. Therefore, it has been classified as a Variant of Uncertain Significance. Advanced modeling of protein sequence and biophysical properties (such as structural, functional, and spatial information, amino acid conservation, physicochemical variation, residue mobility, and thermodynamic stability) performed at Invitae indicates that this missense variant is not expected to disrupt TNFRSF1A protein function. This variant has not been reported in the literature in individuals affected with TNFRSF1A-related conditions. This variant is not present in population databases (gnomAD no frequency). This sequence change replaces lysine, which is basic and polar, with glutamine, which is neutral and polar, at codon 107 of the TNFRSF1A protein (p.Lys107Gln).

NM_001065.4(TNFRSF1A):c.319A>C (p.Lys107Gln)

Gene: TNFRSF1A (TNF receptor superfamily member 1A; minus strand). Cytogenetic location: 12p13.31.
Variant type: single nucleotide variant.
Coding change: c.319A>C on transcript NM_001065.4 (MANE Select); coding-DNA position 319, A replaced by C.
Protein change: p.Lys107Gln; replaces lysine 107 with glutamine.
Molecular consequence: missense variant. On other transcripts: 5 prime UTR variant (2), non-coding transcript variant (1).
Genome position (GRCh38, 1-based): chr12:6,333,740, T>G on the plus strand (A>C on the coding strand, the complement: TNFRSF1A is on the minus strand). VCF-style: chr12-6333740-T-G. GRCh37 (hg19) VCF-style: chr12-6442906-T-G.
Other names: c.-6A>C (NM_001346091.2); c.-259A>C (NM_001346092.2); short protein forms K107Q.
Identifiers: ClinVar variation 2067112 (VCV002067112.4), dbSNP rs1948082490, ClinGen allele CA383550370.